The following is an entry in ClinVar:

NM_002299.4(LCT):c.5135G>A (p.Arg1712His)

Gene: LCT (lactase; minus strand). Cytogenetic location: 2q21.3.
Variant type: single nucleotide variant.
Coding change: c.5135G>A on transcript NM_002299.4 (MANE Select); coding-DNA position 5135, G replaced by A.
Protein change: p.Arg1712His; replaces arginine 1712 with histidine.
Molecular consequence: missense variant.
Genome position (GRCh38, 1-based): chr2:135,790,858, C>T on the plus strand (G>A on the coding strand, the complement: LCT is on the minus strand). VCF-style: chr2-135790858-C-T. GRCh37 (hg19) VCF-style: chr2-136548428-C-T.
Other names: short protein forms R1712H.
Identifiers: ClinVar variation 2264504 (VCV002264504.3), dbSNP rs2077528793, ClinGen allele CA348589424.
Genomic context (GRCh38, chr2:135,790,858, plus strand): 5'-ATCCTCCTGAAGCCAAAAGGCGTCATCTTCAGCCAGAAGGAGCCAGAGTCTGGCCACGAG[C>T]GATCTGCGATGGAAGCAACTCCTCTACAAGTTCAAAAACTAAAGATGAGGTCTTGTTTTG-3'
Protein context (NP_002290.2, residues 1702-1722): ADRGVASIAD[Arg1712His]SWPDSGSFWL

ClinVar aggregate classification (germline): Uncertain significance. Review status: criteria provided, multiple submitters, no conflicts (2 of 4 stars). 2 submissions from 2 submitters: Uncertain significance (2). Last evaluated 2026-01-24.

Conditions:
Inborn genetic diseases. Identifiers: MedGen C0950123, MeSH D030342.

Allele frequency attached by ClinVar (database versions not stated): gnomAD exomes 0.00001.
gnomAD v4.1: 10 of 1,614,080 alleles (0.00062%); highest among the groups gnomAD compares: African/African-American, 0.0027%; no homozygotes.

Submissions (2):

Labcorp Genetics (formerly Invitae), Labcorp
Classification: Uncertain significance. Last evaluated: 2026-01-24. Review status: criteria provided, single submitter. Criteria: Invitae Variant Classification Sherloc (09022015). Collection method: clinical testing. Allele origin: germline.
Comment: This sequence change replaces arginine, which is basic and polar, with histidine, which is basic and polar, at codon 1712 of the LCT protein (p.Arg1712His). This variant is not present in population databases (gnomAD no frequency). This variant has not been reported in the literature in individuals affected with LCT-related conditions. ClinVar contains an entry for this variant (Variation ID: 2264504). Invitae Evidence Modeling of protein sequence and biophysical properties (such as structural, functional, and spatial information, amino acid conservation, physicochemical variation, residue mobility, and thermodynamic stability) indicates that this missense variant is not expected to disrupt LCT protein function with a negative predictive value of 80%. In summary, the available evidence is currently insufficient to determine the role of this variant in disease. Therefore, it has been classified as a Variant of Uncertain Significance.

Ambry Genetics
Classification: Uncertain significance for Inborn genetic diseases. Last evaluated: 2022-02-09. Review status: criteria provided, single submitter. Criteria: Ambry Variant Classification Scheme 2023. Collection method: clinical testing. Allele origin: germline.